The following is an entry in ClinVar:

NM_001042492.3(NF1):c.1845G>C (p.Lys615Asn)

Gene: NF1 (neurofibromin 1; plus strand). Cytogenetic location: 17q11.2.
Variant type: single nucleotide variant.
Coding change: c.1845G>C on transcript NM_001042492.3 (MANE Select); coding-DNA position 1845, G replaced by C.
Protein change: p.Lys615Asn; replaces lysine 615 with asparagine.
Molecular consequence: missense variant.
Genome position (GRCh38, 1-based): chr17:31,223,567, G>C. VCF-style: chr17-31223567-G-C. GRCh37 (hg19) VCF-style: chr17-29550585-G-C.
Other names: p.Lys615Asn; c.1845G>C, p.Lys615Asn (NM_000267.4); short protein forms K615N.
Identifiers: ClinVar variation 3381158 (VCV003381158.2).

ClinVar aggregate classification (germline): Conflicting classifications of pathogenicity. Review status: criteria provided, conflicting classifications (1 of 4 stars). 2 submissions from 2 submitters: Likely pathogenic (1); Uncertain significance (1). Last evaluated 2025-03-14.

Submissions (2):

ARUP Laboratories, Molecular Genetics and Genomics, ARUP Laboratories
Classification: Uncertain significance. Last evaluated: 2025-03-14. Review status: criteria provided, single submitter. Criteria: ARUP Molecular Germline Variant Investigation Process 2024. Collection method: clinical testing. Allele origin: germline.
Comment: The NF1 c.1845G>C, p.Lys615Asn variant (rs1131691080), to our knowledge, is not reported in the medical literature but is reported in ClinVar (Variation ID: 3381158). This variant is absent from the Genome Aggregation Database (v2.1.1), indicating it is not a common polymorphism. This variant is located within the splice donor motif (last nucleotide of an exon) and is predicted to disrupt the canonical splice donor site of intron 16 which is likely to negatively impact gene function. Alternative changes at this nucleotide position (c.1845G>A; p.Lys615=, c.1845G>T; p.Lys615Asn) are reported in few individuals with neurofibromatosis type 1, and by RNA analysis these alternative changes were shown to impact splicing at the nearly splice donor site (Bianchessi 2015, Pros 2008). Due to the lack of clinical and functional data specific to c.1845G>C, p.Lys615Asn change, the significance of this variant is uncertain at this time. References: Pros E et al. Nature and mRNA effect of 282 different NF1 point mutations: focus on splicing alterations. Hum Mutat. 2008 Sep. PMID: 18546366. Bianchessi D et al. 126 novel mutations in Italian patients with neurofibromatosis type 1. Mol Genet Genomic Med. 2015 Nov. PMID: 26740943.

Mayo Clinic Laboratories, Mayo Clinic
Classification: Likely pathogenic. Last evaluated: 2024-08-27. Review status: criteria provided, single submitter. Criteria: ACMG Guidelines, 2015. Collection method: clinical testing. Allele origin: germline. Observed: 1 variant allele.
Comment: PP3, PM2, PS1

Literature cited by the submitters: PubMed 18546366 (cited by Mayo Clinic Laboratories, Mayo Clinic); PubMed 23322702 (cited by Mayo Clinic Laboratories, Mayo Clinic); PubMed 23913538 (cited by Mayo Clinic Laboratories, Mayo Clinic); PubMed 26740943 (cited by Mayo Clinic Laboratories, Mayo Clinic); PubMed 28422438 (cited by Mayo Clinic Laboratories, Mayo Clinic).